The following is an entry in ClinVar:

ClinVar aggregate classification (germline): Uncertain significance. Review status: criteria provided, single submitter (1 of 4 stars). 2 submissions from 2 submitters: Uncertain significance (1). 1 of the submissions does not count toward it. Last evaluated 2024-03-29.

Conditions:
GLI2-related disorder. Also called: GLI2-related condition; GLI2-related disorders.
Postaxial polydactyly-anterior pituitary anomalies-facial dysmorphism syndrome. Also called: Culler-Jones syndrome. Identifiers: Orphanet 420584, MedGen C4014479, MONDO:0014369, OMIM 615849.
Holoprosencephaly 9 (HPE9). Also called: HOLOPROSENCEPHALY WITH MICROPHTHALMIA AND FIRST BRANCHIAL ARCH ANOMALIES; PITUITARY ANOMALIES WITH HOLOPROSENCEPHALY-LIKE FEATURES. Identifiers: Orphanet 2162, MedGen C1835819, MONDO:0012563, OMIM 610829.

gnomAD v4.1: 23 of 1,613,954 alleles (0.0014%); highest among the groups gnomAD compares: Non-Finnish European, 0.0018%; no homozygotes.

Submissions (2):

Labcorp Genetics (formerly Invitae), Labcorp
Classification: Uncertain significance for Postaxial polydactyly-anterior pituitary anomalies-facial dysmorphism syndrome; Holoprosencephaly 9. Last evaluated: 2024-03-29. Review status: criteria provided, single submitter. Criteria: Invitae Variant Classification Sherloc (09022015). Collection method: clinical testing. Allele origin: germline.
Comment: This sequence change replaces valine, which is neutral and non-polar, with methionine, which is neutral and non-polar, at codon 1500 of the GLI2 protein (p.Val1500Met). This variant is present in population databases (no rsID available, gnomAD 0.002%). This variant has not been reported in the literature in individuals affected with GLI2-related conditions. Advanced modeling of protein sequence and biophysical properties (such as structural, functional, and spatial information, amino acid conservation, physicochemical variation, residue mobility, and thermodynamic stability) performed at Invitae indicates that this missense variant is not expected to disrupt GLI2 protein function with a negative predictive value of 80%. In summary, the available evidence is currently insufficient to determine the role of this variant in disease. Therefore, it has been classified as a Variant of Uncertain Significance.

PreventionGenetics, part of Exact Sciences
Classification: Uncertain significance for GLI2-related condition. Last evaluated: 2024-07-02. Review status: no assertion criteria provided. Collection method: clinical testing. Allele origin: germline. Not counted in ClinVar's aggregate classification.
Comment: The GLI2 c.4498G>A variant is predicted to result in the amino acid substitution p.Val1500Met. To our knowledge, this variant has not been reported in the literature. This variant is reported in 0.0023% of alleles in individuals of European (Non-Finnish) descent in gnomAD. At this time, the clinical significance of this variant is uncertain due to the absence of conclusive functional and genetic evidence.

NM_001374353.1(GLI2):c.4447G>A (p.Val1483Met)

Gene: GLI2 (GLI family zinc finger 2; plus strand). Cytogenetic location: 2q14.2.
Variant type: single nucleotide variant.
Coding change: c.4447G>A on transcript NM_001374353.1 (MANE Select); coding-DNA position 4447, G replaced by A.
Protein change: p.Val1483Met; replaces valine 1483 with methionine.
Molecular consequence: missense variant.
Genome position (GRCh38, 1-based): chr2:120,990,412, G>A. VCF-style: chr2-120990412-G-A. GRCh37 (hg19) VCF-style: chr2-121747988-G-A.
Other names: c.4498G>A, p.Val1500Met (NM_001371271.1, NM_005270.5); c.4072G>A, p.Val1358Met (NM_001374354.1); short protein forms V1358M, V1483M, V1500M.
Identifiers: ClinVar variation 3350552 (VCV003350552.3).
Genomic context (GRCh38, chr2:120,990,412, plus strand): 5'-CAGGACAGCATCCAGCCCCAGCCCTTGCCCTCACCAGGGGTCAACCAGGTGTCCAGCACT[G>A]TGGACTCCCAGCTCCTGGAGGCCCCCCAGATTGACTTCGATGCCATCATGGATGATGGCG-3'
Protein context (NP_001361282.1, residues 1473-1493): SPGVNQVSST[Val1483Met]DSQLLEAPQI